The following is an entry in ClinVar:

ClinVar aggregate classification (germline): Pathogenic/Likely pathogenic. Review status: criteria provided, multiple submitters, no conflicts (2 of 4 stars). 4 submissions from 4 submitters: Pathogenic (1); Likely pathogenic (3). Last evaluated 2024-07-20.

Conditions:
Agenesis of the corpus callosum with peripheral neuropathy (ACCPN). Also called: CHARLEVOIX DISEASE; POLYNEUROPATHY, SENSORIMOTOR, WITH OR WITHOUT AGENESIS OF THE CORPUS CALLOSUM; HMSN/ACC; Hereditary Motor and Sensory Neuropathy with Agenesis of the Corpus Callosum. Identifiers: Orphanet 1496, MedGen C0795950, MONDO:0000902, OMIM 218000. Disease mechanism: loss of function.
Charcot-Marie-Tooth disease, axonal, IIa 2II. Also called: CHARCOT-MARIE-TOOTH NEUROPATHY, TYPE 2II; Charcot-Marie-Tooth disease, axonal, type 2II; Charcot-marie-tooth disease, axonal,IIa 2II. Identifiers: MedGen C5774227, MONDO:0031068, OMIM 620068.
SLC12A6-related disorder. Also called: SLC12A6-related condition.

Allele frequency attached by ClinVar (database versions not stated): gnomAD exomes below 0.00001.
gnomAD v4.1: 4 of 1,612,578 alleles (0.00025%); highest among the groups gnomAD compares: Non-Finnish European, 0.00034%; no homozygotes.

Submissions (4):

Labcorp Genetics (formerly Invitae), Labcorp
Classification: Pathogenic. Last evaluated: 2024-07-20. Review status: criteria provided, single submitter. Criteria: Invitae Variant Classification Sherloc (09022015). Collection method: clinical testing. Allele origin: germline.
Comment: This sequence change creates a premature translational stop signal (p.Gln758*) in the SLC12A6 gene. It is expected to result in an absent or disrupted protein product. Loss-of-function variants in SLC12A6 are known to be pathogenic (PMID: 12368912, 16606917). This variant is present in population databases (no rsID available, gnomAD 0.002%). This variant has not been reported in the literature in individuals affected with SLC12A6-related conditions. Algorithms developed to predict the effect of sequence changes on RNA splicing suggest that this variant may disrupt the consensus splice site. For these reasons, this variant has been classified as Pathogenic.

Fulgent Genetics
Classification: Likely pathogenic for Agenesis of the corpus callosum with peripheral neuropathy; Charcot-Marie-Tooth disease, axonal, IIa 2II. Last evaluated: 2024-02-05. Review status: criteria provided, single submitter. Criteria: ACMG Guidelines, 2015. Collection method: clinical testing. Allele origin: germline.

Baylor Genetics
Classification: Likely pathogenic for Agenesis of the corpus callosum with peripheral neuropathy. Last evaluated: 2023-12-26. Review status: criteria provided, single submitter. Criteria: ACMG Guidelines, 2015. Collection method: clinical testing. Allele origin: unknown.

Blueprint Genetics
Classification: Likely pathogenic for SLC12A6-related disorders. Last evaluated: 2020-03-15. Review status: criteria provided, single submitter. Criteria: ACMG Guidelines, 2015. Collection method: clinical testing. Allele origin: germline. Affected: yes. Observed: 1 variant allele.

Literature cited by the submitters: PubMed 12368912 (cited by Labcorp Genetics (formerly Invitae), Labcorp); PubMed 16606917 (cited by Labcorp Genetics (formerly Invitae), Labcorp).

NM_001365088.1(SLC12A6):c.2272C>T (p.Gln758Ter)

Gene: SLC12A6 (solute carrier family 12 member 6; minus strand). Cytogenetic location: 15q14.
Variant type: single nucleotide variant.
Coding change: c.2272C>T on transcript NM_001365088.1 (MANE Select); coding-DNA position 2272, C replaced by T.
Protein change: p.Gln758Ter; replaces glutamine 758 with a stop codon.
Molecular consequence: nonsense.
Genome position (GRCh38, 1-based): chr15:34,240,825, G>A on the plus strand (C>T on the coding strand, the complement: SLC12A6 is on the minus strand). VCF-style: chr15-34240825-G-A. GRCh37 (hg19) VCF-style: chr15-34533026-G-A.
Other names: c.2095C>T, p.Gln699Ter (NM_001042494.2, NM_001042495.2); c.2245C>T, p.Gln749Ter (NM_001042496.2); c.2227C>T, p.Gln743Ter (NM_001042497.2); c.2119C>T, p.Gln707Ter (NM_005135.2); c.2272C>T, p.Gln758Ter (NM_133647.2); short protein forms Q699*, Q707*, Q743*, Q749*, Q758*.
Identifiers: ClinVar variation 2678754 (VCV002678754.7), dbSNP rs1162530361, ClinGen allele CA391619895.